The following is an entry in ClinVar:

NM_001079872.2(CUL4B):c.846+3A>G

Gene: CUL4B (cullin 4B; minus strand). Cytogenetic location: Xq24.
Variant type: single nucleotide variant.
Coding change: c.846+3A>G on transcript NM_001079872.2 (MANE Select); 3 bases into the intron after coding-DNA position 846, A replaced by G.
Molecular consequence: intron variant.
Genome position (GRCh38, 1-based): chrX:120,546,544, T>C on the plus strand (A>G on the coding strand, the complement: CUL4B is on the minus strand). VCF-style: chrX-120546544-T-C. GRCh37 (hg19) VCF-style: chrX-119680399-T-C.
Other names: c.900+3A>G (NM_003588.4); c.861+3A>G (NM_001330624.2); c.312+3A>G (NM_001369145.1).
Identifiers: ClinVar variation 4982205 (VCV004982205.1).

ClinVar aggregate classification (germline): Uncertain significance (1 of 4 stars; one submission).

Conditions:
CUL4B-related disorder. Also called: CUL4B-related condition.

Submission:

PreventionGenetics, part of Exact Sciences
Classification: Uncertain significance for CUL4B-related condition. Last evaluated: 2025-06-26. Review status: criteria provided, single submitter. Criteria: ACMG Guidelines, 2015. Collection method: clinical testing. Allele origin: germline.
Comment: The CUL4B c.900+3A>G variant is predicted to interfere with splicing. This variant is predicted to decrease the strength of the canonical splice donor site (Alamut Visual Plus v.1.6.1; SpliceAI, Jaganathan et al. 2019. PubMed ID: 30661751). To our knowledge, this variant has not been reported in the literature or in a large population database, indicating this variant is rare. At this time, the clinical significance of this variant is uncertain due to the absence of conclusive functional and genetic evidence.